The following is an entry in ClinVar:

ClinVar aggregate classification (germline): Conflicting classifications of pathogenicity. Review status: criteria provided, conflicting classifications (1 of 4 stars). 4 submissions from 4 submitters: Uncertain significance (3); Likely benign (1). Last evaluated 2025-06-03.

Conditions:
Hereditary cancer-predisposing syndrome. Also called: Neoplastic Syndromes, Hereditary; Tumor predisposition; Hereditary neoplastic syndrome; Hereditary Cancer Syndrome. Identifiers: Orphanet 140162, MedGen C0027672, MeSH D009386, MONDO:0015356.
Hereditary breast ovarian cancer syndrome. Also called: BRCA1- and BRCA2-Associated Hereditary Breast and Ovarian Cancer; Hereditary breast and ovarian cancer; Hereditary breast and ovarian cancer syndrome; Hereditary breast and/or ovarian cancer syndrome; Hereditary breast and ovarian cancer syndrome (HBOC); Breast and ovarian cancer. Identifiers: Orphanet 145, MedGen C0677776, MeSH D061325, MONDO:0003582. Disease mechanism: loss of function.

Submissions (4):

Color Diagnostics, LLC DBA Color Health
Classification: Uncertain significance for Hereditary cancer-predisposing syndrome. Last evaluated: 2025-06-03. Review status: criteria provided, single submitter. Criteria: ACMG Guidelines, 2015. Collection method: clinical testing. Allele origin: germline.
Comment: This missense variant replaces aspartic acid with alanine at codon 746 of the BRCA1 protein. Computational prediction suggests that this variant may not impact protein structure and function. To our knowledge, functional studies have not been reported for this variant. This variant has not been reported in individuals affected with BRCA1-related disorders in the literature. This variant has not been identified in the general population by the Genome Aggregation Database (gnomAD). The available evidence is insufficient to determine the role of this variant in disease conclusively. Therefore, this variant is classified as a Variant of Uncertain Significance.

Labcorp Genetics (formerly Invitae), Labcorp
Classification: Uncertain significance for Hereditary breast ovarian cancer syndrome. Last evaluated: 2024-12-03. Review status: criteria provided, single submitter. Criteria: Invitae Variant Classification Sherloc (09022015). Collection method: clinical testing. Allele origin: germline.
Comment: This sequence change replaces aspartic acid, which is acidic and polar, with alanine, which is neutral and non-polar, at codon 746 of the BRCA1 protein (p.Asp746Ala). This variant is not present in population databases (gnomAD no frequency). This variant has not been reported in the literature in individuals affected with BRCA1-related conditions. ClinVar contains an entry for this variant (Variation ID: 1373190). Invitae Evidence Modeling of protein sequence and biophysical properties (such as structural, functional, and spatial information, amino acid conservation, physicochemical variation, residue mobility, and thermodynamic stability) indicates that this missense variant is expected to disrupt BRCA1 protein function with a positive predictive value of 80%. In summary, the available evidence is currently insufficient to determine the role of this variant in disease. Therefore, it has been classified as a Variant of Uncertain Significance.

University of Washington Department of Laboratory Medicine, University of Washington
Classification: Likely benign for Hereditary cancer-predisposing syndrome. Last evaluated: 2023-03-23. Review status: criteria provided, single submitter. Criteria: Dines et al. (Genet Med. 2020). Collection method: curation. Allele origin: germline.
Comment: Missense variant in a coldspot region where missense variants are very unlikely to be pathogenic (PMID:31911673).

BRCA1 coldspot (exon 11 using historical exon numbering). Reclassification based on statistical prior probability

Ambry Genetics
Classification: Uncertain significance for Hereditary cancer-predisposing syndrome. Last evaluated: 2020-12-31. Review status: criteria provided, single submitter. Criteria: Ambry Variant Classification Scheme 2023. Collection method: clinical testing. Allele origin: germline.
Comment: The p.D746A variant (also known as c.2237A>C), located in coding exon 9 of the BRCA1 gene, results from an A to C substitution at nucleotide position 2237. The aspartic acid at codon 746 is replaced by alanine, an amino acid with dissimilar properties. This amino acid position is not well conserved in available vertebrate species. In addition, the in silico prediction for this alteration is inconclusive. Since supporting evidence is limited at this time, the clinical significance of this alteration remains unclear.

NM_007294.4(BRCA1):c.2237A>C (p.Asp746Ala)

Gene: BRCA1 (BRCA1 DNA repair associated; minus strand). Cytogenetic location: 17q21.31.
Variant type: single nucleotide variant.
Coding change: c.2237A>C on transcript NM_007294.4 (MANE Select); coding-DNA position 2237, A replaced by C.
Protein change: p.Asp746Ala; replaces aspartic acid 746 with alanine.
Molecular consequence: missense variant. On other transcripts: intron variant (137).
Genome position (GRCh38, 1-based): chr17:43,093,294, T>G on the plus strand (A>C on the coding strand, the complement: BRCA1 is on the minus strand). VCF-style: chr17-43093294-T-G. GRCh37 (hg19) VCF-style: chr17-41245311-T-G.
Other names: c.784+1450A>C (NM_001408392.1, NM_001407986.1, NM_001407972.1 and 13 more transcripts); c.664+1450A>C (NM_001408441.1, NM_001408437.1, NM_001408429.1 and 12 more transcripts); c.787+1450A>C (NM_001407979.1, NM_001407977.1, NM_001407982.1 and 17 more transcripts); c.646+1450A>C (NM_001408410.1, NM_001408458.1, NM_001408469.1 and 11 more transcripts); c.709+1450A>C (NM_001408415.1, NM_001408412.1, NM_001408409.1 and 2 more transcripts); c.577+1450A>C (NM_001408483.1, NM_001408481.1, NM_001408480.1 and 9 more transcripts); c.2024A>C, p.Asp675Ala (NM_001407571.1, NM_001407853.1, NM_001407894.1 and 9 more transcripts); c.2237A>C, p.Asp746Ala (NM_001407581.1, NM_001407582.1, NM_001407583.1 and 30 more transcripts); and 41 more; short protein forms D699A, D746A, D578A, D618A, D676A, D743A, D634A, D658A.
Identifiers: ClinVar variation 1373190 (VCV001373190.12), dbSNP rs2154388675, ClinGen allele CA10597526.